The following is an entry in ClinVar:

NM_001111.5(ADAR):c.390C>G (p.Phe130Leu)

Gene: ADAR (adenosine deaminase RNA specific; minus strand). Cytogenetic location: 1q21.3.
Variant type: single nucleotide variant.
Coding change: c.390C>G on transcript NM_001111.5 (MANE Select); coding-DNA position 390, C replaced by G.
Protein change: p.Phe130Leu; replaces phenylalanine 130 with leucine.
Molecular consequence: missense variant. On other transcripts: 5 prime UTR variant (3), intron variant (3).
Genome position (GRCh38, 1-based): chr1:154,602,252, G>C on the plus strand (C>G on the coding strand, the complement: ADAR is on the minus strand). VCF-style: chr1-154602252-G-C. GRCh37 (hg19) VCF-style: chr1-154574728-G-C.
Other names: c.-496C>G (NM_001025107.3, NM_001193495.2, NM_001365048.1); c.417C>G, p.Phe139Leu (NM_001365045.1); c.390C>G, p.Phe130Leu (NM_015840.4, NM_015841.4); c.-492-4C>G (NM_001365046.1, NM_001365049.1, NM_001365047.1); short protein forms F139L, F130L.
Identifiers: ClinVar variation 4783220 (VCV004783220.1).
Genomic context (GRCh38, chr1:154,602,252, plus strand): 5'-AAGCTCTTCCAGGAACTTTAAGATCCTTTGTTCCTGATCTTGGTAGATACTCAGTTCCTG[G>C]AAATGTGAGGAAAGGCAATCAACACCTCTCTGTGGCAGACTCCTGCCACGTGGTGAAGGA-3'
Protein context (NP_001102.3, residues 120-140): QRGVDCLSSH[Phe130Leu]QELSIYQDQE

ClinVar aggregate classification (germline): Uncertain significance (1 of 4 stars; one submission).

Conditions:
Aicardi-Goutieres syndrome 6 (AGS6). Identifiers: Orphanet 51, MedGen C3539013, MONDO:0014007, OMIM 615010.
Symmetrical dyschromatosis of extremities (DSH). Also called: Dyschromatosis symmetrica hereditaria; DYSCHROMATOSIS SYMMETRICA HEREDITARIA 1; RETICULATE ACROPIGMENTATION OF DOHI; SYMMETRIC DYSCHROMATOSIS OF THE EXTREMITIES. Identifiers: Orphanet 41, MedGen C0406775, MONDO:0007483, OMIM 127400.

gnomAD v4.1: 2 of 1,614,186 alleles (0.00012%); highest among the groups gnomAD compares: African/African-American, 0.0013%; no homozygotes.

Submission:

Labcorp Genetics (formerly Invitae), Labcorp
Classification: Uncertain significance for Aicardi-Goutieres syndrome 6; Symmetrical dyschromatosis of extremities. Last evaluated: 2025-05-27. Review status: criteria provided, single submitter. Criteria: Invitae Variant Classification Sherloc (09022015). Collection method: clinical testing. Allele origin: germline.
Comment: This sequence change replaces phenylalanine, which is neutral and non-polar, with leucine, which is neutral and non-polar, at codon 130 of the ADAR protein (p.Phe130Leu). This variant is not present in population databases (gnomAD no frequency). This variant has not been reported in the literature in individuals affected with ADAR-related conditions. An algorithm developed to predict the effect of missense changes on protein structure and function outputs the following: PolyPhen-2: "Benign". The leucine amino acid residue is found in multiple mammalian species, which suggests that this missense change does not adversely affect protein function. In summary, the available evidence is currently insufficient to determine the role of this variant in disease. Therefore, it has been classified as a Variant of Uncertain Significance.